The following is an entry in ClinVar:

NM_001710.6(CFB):c.720G>A (p.Glu240=)

Gene: CFB (complement factor B; plus strand). Cytogenetic location: 6p21.33.
Variant type: single nucleotide variant.
Coding change: c.720G>A on transcript NM_001710.6 (MANE Select); coding-DNA position 720, G replaced by A.
Protein change: p.Glu240=; no amino-acid change (glutamic acid 240 retained).
Molecular consequence: synonymous variant.
Genome position (GRCh38, 1-based): chr6:31,947,803, G>A. VCF-style: chr6-31947803-G-A. GRCh37 (hg19) VCF-style: chr6-31915580-G-A.
Identifiers: ClinVar variation 356278 (VCV000356278.7), dbSNP rs753831049, ClinGen allele CA3728124.

ClinVar aggregate classification (germline): Conflicting classifications of pathogenicity. Review status: criteria provided, conflicting classifications (1 of 4 stars). 3 submissions from 2 submitters: Uncertain significance (1); Likely benign (2). Last evaluated 2024-02-07.

Conditions:
Atypical hemolytic-uremic syndrome with B factor anomaly. Also called: HEMOLYTIC UREMIC SYNDROME, ATYPICAL, SUSCEPTIBILITY TO, 4; AHUS, SUSCEPTIBILITY TO, 4. Identifiers: Orphanet 2134, MedGen C2752038, MONDO:0013042, OMIM 612924.
Macular degeneration. Also called: Degenerative disorder of macula. Identifiers: MedGen C0024437, MONDO:0003004, HP:0000608.

Allele frequency attached by ClinVar (database versions not stated): gnomAD 0.00001 and 0.00002; gnomAD exomes 0.00001 and 0.00002; TOPMed 0.00001; ExAC 0.00003.
gnomAD v4.1: 29 of 1,613,486 alleles (0.0018%); highest among the groups gnomAD compares: Non-Finnish European, 0.0021%; no homozygotes.

Submissions (3):

Labcorp Genetics (formerly Invitae), Labcorp
Classification: Likely benign. Last evaluated: 2024-02-07. Review status: criteria provided, single submitter. Criteria: Invitae Variant Classification Sherloc (09022015). Collection method: clinical testing. Allele origin: germline.

Illumina Laboratory Services, Illumina
Classification: Uncertain significance for Macular degeneration. Last evaluated: 2018-01-13. Review status: criteria provided, single submitter. Criteria: ICSL Variant Classification Criteria 13 December 2019. Collection method: clinical testing. Allele origin: germline.

Illumina Laboratory Services, Illumina
Classification: Likely benign for Atypical hemolytic-uremic syndrome with B factor anomaly. Last evaluated: 2018-01-13. Review status: criteria provided, single submitter. Criteria: ICSL Variant Classification Criteria 13 December 2019. Collection method: clinical testing. Allele origin: germline.
Comment: This variant was observed in the ICSL laboratory as part of a predisposition screen in an ostensibly healthy population. It had not been previously curated by ICSL or reported in the Human Gene Mutation Database (HGMD: prior to June 1st, 2018), and was therefore a candidate for classification through an automated scoring system. Utilizing variant allele frequency, disease prevalence and penetrance estimates, and inheritance mode, an automated score was calculated to assess if this variant is too frequent to cause the disease. Based on the score and internal cut-off values, a variant classified as likely benign is not then subjected to further curation. The score for this variant resulted in a classification of likely benign for this disease.